The following is an entry in ClinVar:

NM_020778.5(ALPK3):c.4096T>A (p.Leu1366Met)

Gene: ALPK3 (alpha kinase 3; plus strand). Cytogenetic location: 15q25.3.
Variant type: single nucleotide variant.
Coding change: c.4096T>A on transcript NM_020778.5 (MANE Select); coding-DNA position 4096, T replaced by A.
Protein change: p.Leu1366Met; replaces leucine 1366 with methionine.
Molecular consequence: missense variant.
Genome position (GRCh38, 1-based): chr15:84,860,039, T>A. VCF-style: chr15-84860039-T-A. GRCh37 (hg19) VCF-style: chr15-85403270-T-A.
Other names: short protein forms L1366M.
Identifiers: ClinVar variation 1516747 (VCV001516747.8), dbSNP rs777438509, ClinGen allele CA7709852.

ClinVar aggregate classification (germline): Conflicting classifications of pathogenicity. Review status: criteria provided, conflicting classifications (1 of 4 stars). 2 submissions from 2 submitters: Uncertain significance (1); Likely benign (1). Last evaluated 2025-08-25.

Conditions:
Cardiovascular phenotype. Identifiers: MedGen CN230736.

Allele frequency attached by ClinVar (database versions not stated): TOPMed 0.00001; ExAC 0.00002; gnomAD 0.00002; gnomAD exomes 0.00002 and 0.00007.
gnomAD v4.1: 112 of 1,613,974 alleles (0.0069%); highest among the groups gnomAD compares: Non-Finnish European, 0.0091%; no homozygotes.

Submissions (2):

Labcorp Genetics (formerly Invitae), Labcorp
Classification: Uncertain significance. Last evaluated: 2025-08-25. Review status: criteria provided, single submitter. Criteria: Invitae Variant Classification Sherloc (09022015). Collection method: clinical testing. Allele origin: germline.
Comment: This sequence change replaces leucine, which is neutral and non-polar, with methionine, which is neutral and non-polar, at codon 1568 of the ALPK3 protein (p.Leu1568Met). This variant is present in population databases (rs777438509, gnomAD 0.004%). This variant has not been reported in the literature in individuals affected with ALPK3-related conditions. ClinVar contains an entry for this variant (Variation ID: 1516747). An algorithm developed to predict the effect of missense changes on protein structure and function (PolyPhen-2) suggests that this variant is likely to be disruptive. In summary, the available evidence is currently insufficient to determine the role of this variant in disease. Therefore, it has been classified as a Variant of Uncertain Significance.

Ambry Genetics
Classification: Likely benign for Cardiovascular phenotype. Last evaluated: 2024-01-24. Review status: criteria provided, single submitter. Criteria: Ambry Variant Classification Scheme 2023. Collection method: clinical testing. Allele origin: germline.